The following is an entry in ClinVar:

ClinVar aggregate classification (germline): Likely benign. Review status: criteria provided, multiple submitters, no conflicts (2 of 4 stars). 2 submissions from 2 submitters: Likely benign (2). Last evaluated 2025-12-31.

Conditions:
Ehlers-Danlos syndrome, classic type, 1 (EDSCL1). Also called: EDS I; Ehlers-Danlos syndrome, type 1; EHLERS-DANLOS SYNDROME, GRAVIS TYPE; EHLERS-DANLOS SYNDROME, SEVERE CLASSIC TYPE; Ehlers-Danlos Syndrome, Classic Type, COL5A1-Related. Identifiers: MedGen C0268335, MONDO:0019567, OMIM 130000.
Osteogenesis imperfecta type I (OI1). Also called: Osteogenesis imperfecta type 1; Lobstein's Disease; OI, TYPE I; OSTEOGENESIS IMPERFECTA TARDA; OSTEOGENESIS IMPERFECTA WITH BLUE SCLERAE; Lobstein disease. Identifiers: Orphanet 216796, Orphanet 666, MedGen C0023931, MONDO:0008146, OMIM 166200. Disease mechanism: loss of function.

Allele frequency attached by ClinVar (database versions not stated): gnomAD exomes 0.00003 and 0.00004; gnomAD 0.00004; ExAC 0.00003; TOPMed 0.00005.
gnomAD v4.1: 58 of 1,612,796 alleles (0.0036%); highest among the groups gnomAD compares: Non-Finnish European, 0.0047%; no homozygotes.

Submissions (2):

Labcorp Genetics (formerly Invitae), Labcorp
Classification: Likely benign for Osteogenesis imperfecta type I; Ehlers-Danlos syndrome, classic type, 1. Last evaluated: 2025-12-31. Review status: criteria provided, single submitter. Criteria: Invitae Variant Classification Sherloc (09022015). Collection method: clinical testing. Allele origin: germline.

Women's Health and Genetics/Laboratory Corporation of America, LabCorp
Classification: Likely benign. Last evaluated: 2024-09-17. Review status: criteria provided, single submitter. Criteria: LabCorp Variant Classification Summary - May 2015. Collection method: clinical testing. Allele origin: germline.
Comment: Variant summary: COL1A2 c.3106-19T>G alters a conserved nucleotide located at a position not widely known to affect splicing. Consensus agreement among computation tools predict no significant impact on normal splicing. However, these predictions have yet to be confirmed by functional studies. The variant allele was found at a frequency of 3.6e-05 in 1612796 control chromosomes, predominantly at a frequency of 4.8e-05 within the Non-Finnish European subpopulation in the gnomAD database. This frequency is not significantly higher than estimated for a pathogenic variant in COL1A2 causing Osteoporosis (3.6e-05 vs 0.0014), allowing no conclusion about variant significance. To our knowledge, no occurrence of c.3106-19T>G in individuals affected with Osteoporosis and no experimental evidence demonstrating its impact on protein function have been reported. ClinVar contains an entry for this variant (Variation ID: 1646141). Based on the evidence outlined above, the variant was classified as likely benign.

NM_000089.4(COL1A2):c.3106-19T>G

Gene: COL1A2 (collagen type I alpha 2 chain; plus strand). Cytogenetic location: 7q21.3.
Variant type: single nucleotide variant.
Coding change: c.3106-19T>G on transcript NM_000089.4 (MANE Select); 19 bases into the intron before coding-DNA position 3106, T replaced by G.
Molecular consequence: intron variant.
Genome position (GRCh38, 1-based): chr7:94,426,989, T>G. VCF-style: chr7-94426989-T-G. GRCh37 (hg19) VCF-style: chr7-94056301-T-G.
Identifiers: ClinVar variation 1646141 (VCV001646141.9), dbSNP rs779002473, ClinGen allele CA4347670.